The following is an entry in ClinVar:

NM_000238.4(KCNH2):c.77-3T>C

Gene: KCNH2 (potassium voltage-gated channel subfamily H member 2; minus strand). Cytogenetic location: 7q36.1.
Variant type: single nucleotide variant.
Coding change: c.77-3T>C on transcript NM_000238.4 (MANE Select); 3 bases into the intron before coding-DNA position 77, T replaced by C.
Molecular consequence: intron variant.
Genome position (GRCh38, 1-based): chr7:150,974,944, A>G on the plus strand (T>C on the coding strand, the complement: KCNH2 is on the minus strand). VCF-style: chr7-150974944-A-G. GRCh37 (hg19) VCF-style: chr7-150672032-A-G.
Other names: c.77-3T>C (NM_172056.3); c.-101-3T>C (NM_001406755.1).
Identifiers: ClinVar variation 3386920 (VCV003386920.1).

ClinVar aggregate classification (germline): Likely benign (1 of 4 stars; one submission).

Conditions:
Long QT syndrome (LQTS). Identifiers: MedGen C0023976, MeSH D008133, MONDO:0002442. Disease mechanism: loss of function. Inheritance: Various modes of inheritance.

Submission:

All of Us Research Program, National Institutes of Health
Classification: Likely benign for Long QT syndrome. Last evaluated: 2024-07-20. Review status: criteria provided, single submitter. Criteria: ACMG Guidelines, 2015. Collection method: clinical testing. Allele origin: germline. Inheritance: Autosomal dominant inheritance. Observed: 1 variant allele, 1 heterozygote.
Comment: This study involves interpretation of variants in research participants for the purpose of population health screening. Participant phenotype was not available at the time of variant classification. Additional details can be found in publication PMID: 35346344, PMCID: PMC8962531